The following is an entry in ClinVar:

ClinVar aggregate classification (germline): Likely benign. Review status: criteria provided, multiple submitters, no conflicts (2 of 4 stars). 2 submissions from 2 submitters: Likely benign (2). Last evaluated 2025-09-16.

Allele frequency attached by ClinVar (database versions not stated): gnomAD exomes 0.00001; gnomAD 0.00003; TOPMed 0.00005.

Submissions (2):

Labcorp Genetics (formerly Invitae), Labcorp
Classification: Likely benign. Last evaluated: 2025-09-16. Review status: criteria provided, single submitter. Criteria: Invitae Variant Classification Sherloc (09022015). Collection method: clinical testing. Allele origin: germline.

Mayo Clinic Laboratories, Mayo Clinic
Classification: Likely benign. Last evaluated: 2025-05-14. Review status: criteria provided, single submitter. Criteria: ACMG Guidelines, 2015. Collection method: clinical testing. Allele origin: germline. Observed: 1 variant allele.
Comment: BP4, BP7

NM_000064.4(C3):c.2217G>A (p.Ala739=)

Gene: C3 (complement C3; minus strand). Cytogenetic location: 19p13.3.
Variant type: single nucleotide variant.
Coding change: c.2217G>A on transcript NM_000064.4 (MANE Select); coding-DNA position 2217, G replaced by A.
Protein change: p.Ala739=; no amino-acid change (alanine 739 retained).
Molecular consequence: synonymous variant.
Genome position (GRCh38, 1-based): chr19:6,707,104, C>T on the plus strand (G>A on the coding strand, the complement: C3 is on the minus strand). VCF-style: chr19-6707104-C-T. GRCh37 (hg19) VCF-style: chr19-6707115-C-T.
Other names: p.Ala739=.
Identifiers: ClinVar variation 2075256 (VCV002075256.5), dbSNP rs1042988644, ClinGen allele CA304793186.